The following is an entry in ClinVar:

ClinVar aggregate classification (germline): Conflicting classifications of pathogenicity. Review status: criteria provided, conflicting classifications (1 of 4 stars). 2 submissions from 2 submitters: Uncertain significance (1); Likely benign (1). Last evaluated 2025-09-05.

Allele frequency attached by ClinVar (database versions not stated): ExAC 0.00001; gnomAD exomes 0.00002; gnomAD 0.00003; TOPMed 0.00003.

Submissions (2):

Labcorp Genetics (formerly Invitae), Labcorp
Classification: Uncertain significance. Last evaluated: 2025-09-05. Review status: criteria provided, single submitter. Criteria: Invitae Variant Classification Sherloc (09022015). Collection method: clinical testing. Allele origin: germline.
Comment: This sequence change replaces valine, which is neutral and non-polar, with isoleucine, which is neutral and non-polar, at codon 115 of the FGFRL1 protein (p.Val115Ile). This variant is present in population databases (rs772572830, gnomAD 0.02%). This variant has not been reported in the literature in individuals affected with FGFRL1-related conditions. ClinVar contains an entry for this variant (Variation ID: 2056132). An algorithm developed to predict the effect of missense changes on protein structure and function outputs the following: PolyPhen-2: "Benign". The isoleucine amino acid residue is found in multiple mammalian species, which suggests that this missense change does not adversely affect protein function. In summary, the available evidence is currently insufficient to determine the role of this variant in disease. Therefore, it has been classified as a Variant of Uncertain Significance.

Ambry Genetics
Classification: Likely benign. Last evaluated: 2023-02-15. Review status: criteria provided, single submitter. Criteria: Ambry Variant Classification Scheme 2023. Collection method: clinical testing. Allele origin: germline.

NM_001004356.3(FGFRL1):c.343G>A (p.Val115Ile)

Gene: FGFRL1 (fibroblast growth factor receptor like 1; plus strand). Cytogenetic location: 4p16.3.
Variant type: single nucleotide variant.
Coding change: c.343G>A on transcript NM_001004356.3 (MANE Select); coding-DNA position 343, G replaced by A.
Protein change: p.Val115Ile; replaces valine 115 with isoleucine.
Molecular consequence: missense variant.
Genome position (GRCh38, 1-based): chr4:1,022,466, G>A. VCF-style: chr4-1022466-G-A. GRCh37 (hg19) VCF-style: chr4-1016254-G-A.
Other names: c.343G>A, p.Val115Ile (NM_001004358.1, NM_001370296.1, NM_021923.3); c.343G>A (NM_001004356.2); short protein forms V115I.
Identifiers: ClinVar variation 2056132 (VCV002056132.6), dbSNP rs772572830, ClinGen allele CA2802655.